The following is an entry in ClinVar:

NM_001040142.2(SCN2A):c.3780G>C (p.Lys1260Asn)

Gene: SCN2A (sodium voltage-gated channel alpha subunit 2; plus strand). Cytogenetic location: 2q24.3.
Variant type: single nucleotide variant.
Coding change: c.3780G>C on transcript NM_001040142.2 (MANE Select); coding-DNA position 3780, G replaced by C.
Protein change: p.Lys1260Asn; replaces lysine 1260 with asparagine.
Molecular consequence: missense variant.
Genome position (GRCh38, 1-based): chr2:165,370,230, G>C. VCF-style: chr2-165370230-G-C. GRCh37 (hg19) VCF-style: chr2-166226740-G-C.
Other names: c.3780G>C, p.Lys1260Asn (NM_001040143.2, NM_001371246.1, NM_001371247.1 and 1 more transcripts); short protein forms K1260N.
Identifiers: ClinVar variation 813286 (VCV000813286.10), dbSNP rs763442348, ClinGen allele CA349028102.

ClinVar aggregate classification (germline): Uncertain significance. Review status: criteria provided, single submitter (1 of 4 stars). 2 submissions from 2 submitters: Uncertain significance (1). 1 of the submissions does not count toward it. Last evaluated 2020-08-02.

Conditions:
Seizures, benign familial infantile, 3 (BFIS3). Also called: Familial neonatal seizures; CONVULSIONS, BENIGN FAMILIAL INFANTILE, 3. Identifiers: Orphanet 140927, Orphanet 306, MedGen C1843140, MONDO:0011904, OMIM 607745.
Developmental and epileptic encephalopathy, 11 (DEE11). Also called: Early infantile epileptic encephalopathy 11. Identifiers: Orphanet 1934, MedGen C3150987, MONDO:0013388, OMIM 613721.

Submissions (2):

Labcorp Genetics (formerly Invitae), Labcorp
Classification: Uncertain significance for Seizures, benign familial infantile, 3; Developmental and epileptic encephalopathy, 11. Last evaluated: 2020-08-02. Review status: criteria provided, single submitter. Criteria: Invitae Variant Classification Sherloc (09022015). Collection method: clinical testing. Allele origin: germline.
Comment: In summary, the available evidence is currently insufficient to determine the role of this variant in disease. Therefore, it has been classified as a Variant of Uncertain Significance. Algorithms developed to predict the effect of missense changes on protein structure and function are either unavailable or do not agree on the potential impact of this missense change (SIFT: "Deleterious"; PolyPhen-2: "Probably Damaging"; Align-GVGD: "Class C0"). This variant has not been reported in the literature in individuals with SCN2A-related conditions. ClinVar contains an entry for this variant (Variation ID: 813286). This sequence change replaces lysine with asparagine at codon 1260 of the SCN2A protein (p.Lys1260Asn). The lysine residue is highly conserved and there is a moderate physicochemical difference between lysine and asparagine. This variant is not present in population databases (ExAC no frequency).

Cytogénomique, Hospices Civils de Lyon
Classification: Likely benign for Developmental and epileptic encephalopathy, 11. Review status: no assertion criteria provided. Collection method: clinical testing. Allele origin: maternal. Inheritance: Autosomal dominant inheritance. Affected: yes. Not counted in ClinVar's aggregate classification.